The following is an entry in ClinVar:

NC_000009.11:g.(?_133340833)_(133342151_?)del

Gene: ASS1 (argininosuccinate synthase 1; plus strand). Cytogenetic location: 9q34.11.
Variant type: Deletion.
Identifiers: ClinVar variation 2422209 (VCV002422209.9).

ClinVar aggregate classification (germline): Likely pathogenic (1 of 4 stars; one submission).

Conditions:
Citrullinemia. Identifiers: Orphanet 187, MedGen C0175683, MONDO:0015991.

Submission:

Labcorp Genetics (formerly Invitae), Labcorp
Classification: Likely pathogenic for Citrullinemia. Last evaluated: 2022-06-16. Review status: criteria provided, single submitter. Criteria: Invitae Variant Classification Sherloc (09022015). Collection method: clinical testing. Allele origin: germline.
Comment: This variant has not been reported in the literature in individuals affected with ASS1-related conditions. In summary, the currently available evidence indicates that the variant is pathogenic, but additional data are needed to prove that conclusively. Therefore, this variant has been classified as Likely Pathogenic. This variant results in the deletion of part of exon 7 (c.420+1279_460delins108) of the ASS1 gene. It is expected to disrupt RNA splicing. Variants that disrupt the donor or acceptor splice site typically lead to a loss of protein function (PMID: 16199547), and loss-of-function variants in ASS1 are known to be pathogenic (PMID: 18473344, 19006241).

Literature cited by the submitters: PubMed 16199547; PubMed 18473344; PubMed 19006241.